The following is an entry in ClinVar:

ClinVar aggregate classification (germline): Uncertain significance (1 of 4 stars; one submission).

Submission:

Labcorp Genetics (formerly Invitae), Labcorp
Classification: Uncertain significance. Last evaluated: 2025-05-28. Review status: criteria provided, single submitter. Criteria: Invitae Variant Classification Sherloc (09022015). Collection method: clinical testing. Allele origin: germline.
Comment: This sequence change replaces histidine, which is basic and polar, with glutamine, which is neutral and polar, at codon 347 of the CAPN5 protein (p.His347Gln). This variant is not present in population databases (gnomAD no frequency). This variant has not been reported in the literature in individuals affected with CAPN5-related conditions. Invitae Evidence Modeling of protein sequence and biophysical properties (such as structural, functional, and spatial information, amino acid conservation, physicochemical variation, residue mobility, and thermodynamic stability) indicates that this missense variant is not expected to disrupt CAPN5 protein function with a negative predictive value of 80%. In summary, the available evidence is currently insufficient to determine the role of this variant in disease. Therefore, it has been classified as a Variant of Uncertain Significance.

NM_004055.5(CAPN5):c.1041C>A (p.His347Gln)

Gene: CAPN5 (calpain 5; plus strand). Cytogenetic location: 11q13.5.
Variant type: single nucleotide variant.
Coding change: c.1041C>A on transcript NM_004055.5 (MANE Select); coding-DNA position 1041, C replaced by A.
Protein change: p.His347Gln; replaces histidine 347 with glutamine.
Molecular consequence: missense variant. On other transcripts: non-coding transcript variant (1).
Genome position (GRCh38, 1-based): chr11:77,118,226, C>A. VCF-style: chr11-77118226-C-A. GRCh37 (hg19) VCF-style: chr11-76829272-C-A.
Other names: c.1161C>A, p.His387Gln (NM_001425321.1); c.1041C>A, p.His347Gln (NM_001425322.1); c.909C>A, p.His303Gln (NM_001425323.1); short protein forms H347Q, H387Q, H303Q.
Identifiers: ClinVar variation 4691245 (VCV004691245.1).